The following is an entry in ClinVar:

NM_015557.3(CHD5):c.4498G>A (p.Val1500Met)

Gene: CHD5 (chromodomain helicase DNA binding protein 5; minus strand). Cytogenetic location: 1p36.31.
Variant type: single nucleotide variant.
Coding change: c.4498G>A on transcript NM_015557.3 (MANE Select); coding-DNA position 4498, G replaced by A.
Protein change: p.Val1500Met; replaces valine 1500 with methionine.
Molecular consequence: missense variant.
Genome position (GRCh38, 1-based): chr1:6,124,558, C>T on the plus strand (G>A on the coding strand, the complement: CHD5 is on the minus strand). VCF-style: chr1-6124558-C-T. GRCh37 (hg19) VCF-style: chr1-6184618-C-T.
Other names: short protein forms V1500M.
Identifiers: ClinVar variation 1341628 (VCV001341628.2), dbSNP rs1057206674, ClinGen allele CA17151914.

ClinVar aggregate classification (germline): Uncertain significance (1 of 4 stars; one submission).

Allele frequency attached by ClinVar (database versions not stated): gnomAD 0.00001; TOPMed 0.00001.
gnomAD v4.1: 2 of 1,613,616 alleles (0.00012%); highest among the groups gnomAD compares: South Asian, 0.0011%; no homozygotes.

Submission:

GeneDx
Classification: Uncertain significance. Last evaluated: 2022-02-10. Review status: criteria provided, single submitter. Criteria: GeneDx Variant Classification Process June 2021. Collection method: clinical testing. Allele origin: germline. Affected: yes.
Comment: Not observed at significant frequency in large population cohorts (gnomAD); In silico analysis supports that this missense variant has a deleterious effect on protein structure/function; Has not been previously published as pathogenic or benign to our knowledge